The following is an entry in ClinVar:

NM_001385012.1(NBEA):c.6449G>T (p.Gly2150Val)

Gene: NBEA (neurobeachin; plus strand). Cytogenetic location: 13q13.3.
Variant type: single nucleotide variant.
Coding change: c.6449G>T on transcript NM_001385012.1 (MANE Select); coding-DNA position 6449, G replaced by T.
Protein change: p.Gly2150Val; replaces glycine 2150 with valine.
Molecular consequence: missense variant.
Genome position (GRCh38, 1-based): chr13:35,472,400, G>T. VCF-style: chr13-35472400-G-T. GRCh37 (hg19) VCF-style: chr13-36046537-G-T.
Other names: c.6440G>T, p.Gly2147Val (NM_001379245.1); c.6449G>T, p.Gly2150Val (NM_015678.5); short protein forms G2147V, G2150V.
Identifiers: ClinVar variation 3600851 (VCV003600851.1).

ClinVar aggregate classification (germline): Uncertain significance (1 of 4 stars; one submission).

Submission:

GeneDx
Classification: Uncertain significance. Last evaluated: 2024-07-22. Review status: criteria provided, single submitter. Criteria: GeneDx Variant Classification Process June 2021. Collection method: clinical testing. Allele origin: germline. Affected: yes.
Comment: Not observed at significant frequency in large population cohorts (gnomAD); In silico analysis supports that this missense variant has a deleterious effect on protein structure/function; Has not been previously published as pathogenic or benign to our knowledge